The following is an entry in ClinVar:

ClinVar aggregate classification (germline): Pathogenic (1 of 4 stars; one submission).

Conditions:
Neurofibromatosis, type 1 (NF1). Also called: VON RECKLINGHAUSEN DISEASE; Peripheral type neurofibromatosis; Neurofibromatosis, type I; NEUROFIBROMATOSIS, TYPE I, SOMATIC. Identifiers: Orphanet 636, MedGen C0027831, MONDO:0018975, OMIM 162200. Disease mechanism: loss of function.

Submission:

Labcorp Genetics (formerly Invitae), Labcorp
Classification: Pathogenic for Neurofibromatosis, type 1. Last evaluated: 2023-11-01. Review status: criteria provided, single submitter. Criteria: Invitae Variant Classification Sherloc (09022015). Collection method: clinical testing. Allele origin: germline.
Comment: This sequence change creates a premature translational stop signal (p.Arg652Leufs*37) in the NF1 gene. It is expected to result in an absent or disrupted protein product. Loss-of-function variants in NF1 are known to be pathogenic (PMID: 10712197, 23913538). This variant is not present in population databases (gnomAD no frequency). This variant has not been reported in the literature in individuals affected with NF1-related conditions. For these reasons, this variant has been classified as Pathogenic.

Literature cited by the submitters: PubMed 10712197; PubMed 23913538.

NM_001042492.3(NF1):c.1954_1955insTT (p.Arg652fs)

Gene: NF1 (neurofibromin 1; plus strand). Cytogenetic location: 17q11.2.
Variant type: Insertion.
Coding change: c.1954_1955insTT on transcript NM_001042492.3 (MANE Select); coding-DNA positions 1954 to 1955, TT inserted.
Protein change: p.Arg652fs; shifts the reading frame from arginine 652.
Molecular consequence: frameshift variant.
Genome position: GRCh38 VCF-style: chr17-31225203-C-CTT. GRCh37 (hg19) VCF-style: chr17-29552221-C-CTT.
Other names: c.1954_1955insTT, p.Arg652Leufs (NM_000267.4); short protein forms R652fs.
Identifiers: ClinVar variation 2773149 (VCV002773149.3), dbSNP rs2508142330, ClinGen allele CA2697559703.
Genomic context (GRCh38, chr17:31,225,203, plus strand): 5'-TGTGATATTCCTTCTAGTGGAAATACCAGTCAAATGTCCATGGATCATGAAGAATTACTA[C>CTT]GTACTCCTGGAGCCTCTCTCCGGAAGGGAAAAGGGAACTCCTCTATGGTCAGCTTCTTCT-3'